The following is an entry in ClinVar:

ClinVar aggregate classification (germline): Uncertain significance. Review status: criteria provided, multiple submitters, no conflicts (2 of 4 stars). 6 submissions from 2 submitters: Uncertain significance (6). Last evaluated 2026-04-08.

Conditions:
Tibial muscular dystrophy (TMD). Also called: UDD MYOPATHY; Tibial muscular dystrophy, tardive; Udd Distal Myopathy – Tibial Muscular Dystrophy. Identifiers: Orphanet 609, MedGen C1838244, MONDO:0010870, OMIM 600334.
Autosomal recessive limb-girdle muscular dystrophy type 2J (LGMDR10). Also called: Limb-girdle muscular dystrophy, type 2J; MUSCULAR DYSTROPHY, LIMB-GIRDLE, AUTOSOMAL RECESSIVE 10. Identifiers: Orphanet 140922, MedGen C1837342, MONDO:0012127, OMIM 608807.
Myopathy, myofibrillar, 9, with early respiratory failure (MFM9). Also called: Hereditary myopathy with early respiratory failure; MYOPATHY, PROXIMAL, WITH EARLY RESPIRATORY MUSCLE INVOLVEMENT; Myopathy, distal, with early respiratory failure, autosomal dominant; EDSTROM MYOPATHY. Identifiers: Orphanet 178464, Orphanet 34521, MedGen C1863599, MONDO:0011362, OMIM 603689.
Early-onset myopathy with fatal cardiomyopathy (CMYO5). Also called: Salih Myopathy; CONGENITAL MYOPATHY 5 WITH CARDIOMYOPATHY. Identifiers: Orphanet 289377, MedGen C2673677, MONDO:0012714, OMIM 611705. Disease mechanism: loss of function.
Dilated cardiomyopathy 1G (CMD1G). Identifiers: Orphanet 154, MedGen C1858763, MONDO:0011400, OMIM 604145.

Allele frequency attached by ClinVar (database versions not stated): gnomAD 0.00002; gnomAD exomes 0.00001 and 0.00002; TOPMed 0.00001; ExAC 0.00001.
gnomAD v4.1: 12 of 1,613,520 alleles (0.00074%); highest among the groups gnomAD compares: South Asian, 0.0044%; no homozygotes.

Submissions (6):

GeneDx
Classification: Uncertain significance. Last evaluated: 2026-04-08. Review status: criteria provided, single submitter. Criteria: GeneDx Variant Classification Process June 2021. Collection method: clinical testing. Allele origin: germline.
Comment: Not observed at significant frequency in large population cohorts (gnomAD); Missense variant in a gene in which most reported pathogenic variants are truncating/loss of function; Has not been previously published as pathogenic or benign to our knowledge

Illumina Laboratory Services, Illumina
Classification: Uncertain significance for Autosomal recessive limb-girdle muscular dystrophy type 2J. Last evaluated: 2018-01-13. Review status: criteria provided, single submitter. Criteria: ICSL Variant Classification Criteria 13 December 2019. Collection method: clinical testing. Allele origin: germline.

Illumina Laboratory Services, Illumina
Classification: Uncertain significance for Myopathy, myofibrillar, 9, with early respiratory failure. Last evaluated: 2018-01-13. Review status: criteria provided, single submitter. Criteria: ICSL Variant Classification Criteria 13 December 2019. Collection method: clinical testing. Allele origin: germline.

Illumina Laboratory Services, Illumina
Classification: Uncertain significance for Tibial muscular dystrophy. Last evaluated: 2018-01-13. Review status: criteria provided, single submitter. Criteria: ICSL Variant Classification Criteria 13 December 2019. Collection method: clinical testing. Allele origin: germline.

Illumina Laboratory Services, Illumina
Classification: Uncertain significance for Dilated cardiomyopathy 1G. Last evaluated: 2018-01-13. Review status: criteria provided, single submitter. Criteria: ICSL Variant Classification Criteria 13 December 2019. Collection method: clinical testing. Allele origin: germline.

Illumina Laboratory Services, Illumina
Classification: Uncertain significance for Early-onset myopathy with fatal cardiomyopathy. Last evaluated: 2018-01-13. Review status: criteria provided, single submitter. Criteria: ICSL Variant Classification Criteria 13 December 2019. Collection method: clinical testing. Allele origin: germline.

NM_001267550.2(TTN):c.18427G>A (p.Gly6143Arg)

Genes: TTN (titin; minus strand), LOC126806430 (BRD4-independent group 4 enhancer GRCh37_chr2:179593794-179594993; plus strand). Cytogenetic location: 2q31.2.
Variant type: single nucleotide variant.
Coding change: c.18427G>A on transcript NM_001267550.2 (MANE Select); coding-DNA position 18427, G replaced by A.
Protein change: p.Gly6143Arg; replaces glycine 6143 with arginine.
Molecular consequence: missense variant. On other transcripts: intron variant (3).
Genome position (GRCh38, 1-based): chr2:178,729,826, C>T on the plus strand (G>A on the coding strand, the complement: TTN is on the minus strand). VCF-style: chr2-178729826-C-T. GRCh37 (hg19) VCF-style: chr2-179594553-C-T.
Other names: c.17476G>A, p.Gly5826Arg (NM_001256850.1); c.14695G>A, p.Gly4899Arg (NM_133378.4); c.13282+8256G>A (NM_003319.4); c.13858+8256G>A (NM_133437.4); c.13657+8256G>A (NM_133432.3); c.18427G>A (NM_001267550.1); short protein forms G5826R, G4899R, G6143R.
Identifiers: ClinVar variation 894409 (VCV000894409.5), dbSNP rs757453585, ClinGen allele CA2001618.